The following is an entry in ClinVar:

ClinVar aggregate classification (germline): Uncertain significance. Review status: criteria provided, multiple submitters, no conflicts (2 of 4 stars). 3 submissions from 3 submitters: Uncertain significance (3). Last evaluated 2023-06-02.

Conditions:
Inborn genetic diseases. Identifiers: MedGen C0950123, MeSH D030342.

Allele frequency attached by ClinVar (database versions not stated): ExAC 0.00001; gnomAD exomes 0.00001; TOPMed 0.00004; gnomAD 0.00005; ESP Exome Variant Server 0.00008.
gnomAD v4.1: 50 of 1,611,440 alleles (0.0031%); highest among the groups gnomAD compares: Non-Finnish European, 0.0042%; no homozygotes.

Submissions (3):

Ambry Genetics
Classification: Uncertain significance for Inborn genetic diseases. Last evaluated: 2023-06-02. Review status: criteria provided, single submitter. Criteria: Ambry Variant Classification Scheme 2023. Collection method: clinical testing. Allele origin: germline.

Labcorp Genetics (formerly Invitae), Labcorp
Classification: Uncertain significance. Last evaluated: 2021-12-22. Review status: criteria provided, single submitter. Criteria: Invitae Variant Classification Sherloc (09022015). Collection method: clinical testing. Allele origin: germline.
Comment: This variant has not been reported in the literature in individuals affected with MYO18B-related conditions. In summary, the available evidence is currently insufficient to determine the role of this variant in disease. Therefore, it has been classified as a Variant of Uncertain Significance. Algorithms developed to predict the effect of missense changes on protein structure and function are either unavailable or do not agree on the potential impact of this missense change (SIFT: "Not Available"; PolyPhen-2: "Possibly Damaging"; Align-GVGD: "Not Available"). ClinVar contains an entry for this variant (Variation ID: 1163669). This variant is present in population databases (rs370571897, gnomAD 0.004%). This sequence change replaces glutamic acid, which is acidic and polar, with lysine, which is basic and polar, at codon 1530 of the MYO18B protein (p.Glu1530Lys).

Mayo Clinic Laboratories, Mayo Clinic
Classification: Uncertain significance. Last evaluated: 2020-04-06. Review status: criteria provided, single submitter. Criteria: ACMG Guidelines, 2015. Collection method: clinical testing. Allele origin: germline. Observed: 1 variant allele.

NM_032608.7(MYO18B):c.4588G>A (p.Glu1530Lys)

Genes: MYO18B (myosin XVIIIB; plus strand), MYO18B-AS1 (MYO18B antisense RNA 1; minus strand). Cytogenetic location: 22q12.1.
Variant type: single nucleotide variant.
Coding change: c.4588G>A on transcript NM_032608.7 (MANE Select); coding-DNA position 4588, G replaced by A.
Protein change: p.Glu1530Lys; replaces glutamic acid 1530 with lysine.
Molecular consequence: missense variant.
Genome position (GRCh38, 1-based): chr22:25,895,200, G>A. VCF-style: chr22-25895200-G-A. GRCh37 (hg19) VCF-style: chr22-26291167-G-A.
Other names: c.4591G>A, p.Glu1531Lys (NM_001318245.2); c.4588G>A (NM_032608.5); short protein forms E1530K, E1531K.
Identifiers: ClinVar variation 1163669 (VCV001163669.10), dbSNP rs370571897, ClinGen allele CA10160928.